The following is an entry in ClinVar:

NM_001375808.2(LPIN2):c.2125A>T (p.Lys709Ter)

Gene: LPIN2 (lipin 2; minus strand). Cytogenetic location: 18p11.31.
Variant type: single nucleotide variant.
Coding change: c.2125A>T on transcript NM_001375808.2 (MANE Select); coding-DNA position 2125, A replaced by T.
Protein change: p.Lys709Ter; replaces lysine 709 with a stop codon.
Molecular consequence: nonsense.
Genome position (GRCh38, 1-based): chr18:2,923,824, T>A on the plus strand (A>T on the coding strand, the complement: LPIN2 is on the minus strand). VCF-style: chr18-2923824-T-A. GRCh37 (hg19) VCF-style: chr18-2923822-T-A.
Other names: c.2125A>T, p.Lys709Ter (NM_001375809.1, NM_014646.2); short protein forms K709*.
Identifiers: ClinVar variation 2165430 (VCV002165430.4), dbSNP rs1317098432, ClinGen allele CA401699632.

ClinVar aggregate classification (germline): Pathogenic (1 of 4 stars; one submission).

Conditions:
Majeed syndrome (MJDS). Also called: CHRONIC RECURRENT MULTIFOCAL OSTEOMYELITIS 1, WITH CONGENITAL DYSERYTHROPOIETIC ANEMIA, WITH OR WITHOUT NEUTROPHILIC DERMATOSIS; LPIN2-Related Majeed Syndrome. Identifiers: Orphanet 77297, MedGen C1864997, MONDO:0012316, OMIM 609628.

Allele frequency attached by ClinVar (database versions not stated): TOPMed 0.00001.

Submission:

Labcorp Genetics (formerly Invitae), Labcorp
Classification: Pathogenic for Majeed syndrome. Last evaluated: 2025-07-08. Review status: criteria provided, single submitter. Criteria: Invitae Variant Classification Sherloc (09022015). Collection method: clinical testing. Allele origin: germline.
Comment: This sequence change creates a premature translational stop signal (p.Lys709*) in the LPIN2 gene. It is expected to result in an absent or disrupted protein product. Loss-of-function variants in LPIN2 are known to be pathogenic (PMID: 15994876, 23087183). This variant is not present in population databases (gnomAD no frequency). This variant has not been reported in the literature in individuals affected with LPIN2-related conditions. ClinVar contains an entry for this variant (Variation ID: 2165430). Algorithms developed to predict the effect of sequence changes on RNA splicing suggest that this variant may disrupt the consensus splice site. For these reasons, this variant has been classified as Pathogenic.

Literature cited by the submitters: PubMed 15994876; PubMed 23087183.